The following is an entry in ClinVar:

NM_001271.4(CHD2):c.1802_1809+46del

Gene: CHD2 (chromodomain helicase DNA binding protein 2; plus strand). Cytogenetic location: 15q26.1.
Variant type: Deletion.
Coding change: c.1802_1809+46del on transcript NM_001271.4 (MANE Select); coding-DNA position 1802 through 46 bases into the intron after coding-DNA position 1809, 54 bases deleted.
Molecular consequence: splice donor variant.
Genome position (GRCh38, 1-based): chr15:92,955,505-92,955,558, 54 bases deleted. GRCh37 (hg19): chr15:93,498,735-93,498,788.
Identifiers: ClinVar variation 1879308 (VCV001879308.29), dbSNP rs2505485227, ClinGen allele CA2580090325.

ClinVar aggregate classification (germline): Pathogenic (1 of 4 stars; one submission).

Submission:

CeGaT Center for Human Genetics Tuebingen
Classification: Pathogenic. Last evaluated: 2022-12-01. Review status: criteria provided, single submitter. Criteria: CeGaT Center For Human Genetics Tuebingen Variant Classification Criteria Version 2. Collection method: clinical testing. Allele origin: germline. Affected: yes. Observed: 1 variant allele.
Comment: CHD2: PVS1, PM2, PP4